The following is an entry in ClinVar:

ClinVar aggregate classification (germline): Uncertain significance (1 of 4 stars; one submission).

Conditions:
DRP2-related disorder. Also called: DRP2-related condition.

gnomAD v4.1: 1 of 1,211,916 alleles (0.000083%); highest among the groups gnomAD compares: East Asian, 0.003%; no homozygotes.

Submission:

PreventionGenetics, part of Exact Sciences
Classification: Uncertain significance for DRP2-related condition. Last evaluated: 2025-04-24. Review status: criteria provided, single submitter. Criteria: ACMG Guidelines, 2015. Collection method: clinical testing. Allele origin: germline.
Comment: The DRP2 c.656G>T variant is predicted to result in the amino acid substitution p.Cys219Phe. To our knowledge, this variant has not been reported in the literature or in a large population database (gnomAD), indicating this variant is rare. At this time, the clinical significance of this variant is uncertain due to the absence of conclusive functional and genetic evidence.

NM_001939.3(DRP2):c.656G>T (p.Cys219Phe)

Gene: DRP2 (dystrophin related protein 2; plus strand). Cytogenetic location: Xq22.1.
Variant type: single nucleotide variant.
Coding change: c.656G>T on transcript NM_001939.3 (MANE Select); coding-DNA position 656, G replaced by T.
Protein change: p.Cys219Phe; replaces cysteine 219 with phenylalanine.
Molecular consequence: missense variant.
Genome position (GRCh38, 1-based): chrX:101,241,764, G>T. VCF-style: chrX-101241764-G-T. GRCh37 (hg19) VCF-style: chrX-100496753-G-T.
Other names: c.422G>T, p.Cys141Phe (NM_001171184.2); short protein forms C219F, C141F.
Identifiers: ClinVar variation 4998787 (VCV004998787.1).